The following is an entry in ClinVar:

NM_018834.6(MATR3):c.722A>G (p.His241Arg)

Gene: MATR3 (matrin 3; plus strand). Cytogenetic location: 5q31.2.
Variant type: single nucleotide variant.
Coding change: c.722A>G on transcript NM_018834.6 (MANE Select); coding-DNA position 722, A replaced by G.
Protein change: p.His241Arg; replaces histidine 241 with arginine.
Molecular consequence: missense variant. On other transcripts: intron variant (11).
Genome position (GRCh38, 1-based): chr5:139,308,137, A>G. VCF-style: chr5-139308137-A-G. GRCh37 (hg19) VCF-style: chr5-138643826-A-G.
Other names: c.722A>G, p.His241Arg (NM_001194954.2, NM_001194955.2, NM_001400441.1 and 16 more transcripts); c.52-6538A>G (NM_001400459.1); c.-102-6538A>G (NM_001400463.1, NM_001400460.1, NM_001282278.2 and 3 more transcripts); c.-40-7560A>G (NM_001400462.1, NM_001400467.1); c.13-6538A>G (NM_001400461.1); c.49-6538A>G (NM_001194956.2); short protein forms H241R.
Identifiers: ClinVar variation 4534542 (VCV004534542.6).

ClinVar aggregate classification (germline): Uncertain significance (1 of 4 stars; one submission).

gnomAD v4.1: 2 of 1,614,094 alleles (0.00012%); highest among the groups gnomAD compares: Admixed American, 0.0017%; no homozygotes.

Submission:

CeGaT Center for Human Genetics Tuebingen
Classification: Uncertain significance. Last evaluated: 2025-10-01. Review status: criteria provided, single submitter. Criteria: CeGaT Center For Human Genetics Tuebingen Variant Classification Criteria Version 2. Collection method: clinical testing. Allele origin: germline. Affected: yes. Observed: 1 variant allele.
Comment: MATR3: PM2